The following is an entry in ClinVar:

NM_001128148.3(TFRC):c.2272_2273del (p.Asp757_Asn758insTer)

Gene: TFRC (transferrin receptor; minus strand). Cytogenetic location: 3q29.
Variant type: Deletion.
Coding change: c.2272_2273del on transcript NM_001128148.3 (MANE Select); coding-DNA positions 2272 to 2273, 2 bases deleted (AA; older notation c.2272_2273delAA).
Protein change: p.Asp757_Asn758insTer.
Molecular consequence: nonsense.
Genome position (GRCh38, 1-based): chr3:196,051,952-196,051,953, TT deleted on the plus strand (AA on the coding strand, the reverse complement: TFRC is on the minus strand). VCF-style (leftmost placement, unchanged base first): chr3-196051951-ATT-A. GRCh37 (hg19) VCF-style: chr3-195778822-ATT-A.
Other names: c.2029_2030del, p.Asp676_Asn677insTer (NM_001313965.2); c.1426_1427del, p.Asp475_Asn476insTer (NM_001313966.2); c.2272_2273del, p.Asp757_Asn758insTer (NM_003234.4).
Identifiers: ClinVar variation 4769363 (VCV004769363.1).

ClinVar aggregate classification (germline): Uncertain significance (1 of 4 stars; one submission).

Submission:

Labcorp Genetics (formerly Invitae), Labcorp
Classification: Uncertain significance. Last evaluated: 2025-03-16. Review status: criteria provided, single submitter. Criteria: Invitae Variant Classification Sherloc (09022015). Collection method: clinical testing. Allele origin: germline.
Comment: This sequence change creates a premature translational stop signal (p.Asn758*) in the TFRC gene. While this is not anticipated to result in nonsense mediated decay, it is expected to disrupt the last 3 amino acid(s) of the TFRC protein. This variant is not present in population databases (gnomAD no frequency). This variant has not been reported in the literature in individuals affected with TFRC-related conditions. Experimental studies and prediction algorithms are not available or were not evaluated, and the functional significance of this variant is currently unknown. In summary, the available evidence is currently insufficient to determine the role of this variant in disease. Therefore, it has been classified as a Variant of Uncertain Significance.